The following is an entry in ClinVar:

NM_004260.4(RECQL4):c.1135T>C (p.Trp379Arg)

Gene: RECQL4 (RecQ like helicase 4; minus strand). Cytogenetic location: 8q24.3.
Variant type: single nucleotide variant.
Coding change: c.1135T>C on transcript NM_004260.4 (MANE Select); coding-DNA position 1135, T replaced by C.
Protein change: p.Trp379Arg; replaces tryptophan 379 with arginine.
Molecular consequence: missense variant.
Genome position (GRCh38, 1-based): chr8:144,515,887, A>G on the plus strand (T>C on the coding strand, the complement: RECQL4 is on the minus strand). VCF-style: chr8-144515887-A-G. GRCh37 (hg19) VCF-style: chr8-145741271-A-G.
Other names: c.1135T>C (NM_004260.3); c.1039T>C, p.Trp347Arg (NM_001413017.1, NM_001413020.1); c.1135T>C, p.Trp379Arg (NM_001413018.1, NM_001413019.1, NM_001413033.1 and 2 more transcripts); c.64T>C, p.Trp22Arg (NM_001413021.1, NM_001413022.1, NM_001413023.1 and 8 more transcripts); c.1006T>C, p.Trp336Arg (NM_001413025.1); c.2T>C, p.Met1Thr (NM_001413027.1, NM_001413030.1, NM_001413031.1 and 2 more transcripts); c.784T>C, p.Trp262Arg (NM_001413029.1); short protein forms W22R, M1T, W336R, W347R, W379R, W262R.
Identifiers: ClinVar variation 1994645 (VCV001994645.5), dbSNP rs1380925994, ClinGen allele CA372687866.
Genomic context (GRCh38, chr8:144,515,887, plus strand): 5'-TTGTGACTGTGGCACCACCACCCCCAAAACACTCCCCTTTCTTCCGCCACTTCTGCTTCC[A>G]TGCCTGGGGGGTGCCCACATAGGAGGGTCACTGGGCGGGAAATACGGGAGGGCTGAGGGG-3'
Protein context (NP_004251.4, residues 369-389): LRSRLLRKQA[Trp379Arg]KQKWRKKGEC

ClinVar aggregate classification (germline): Uncertain significance. Review status: criteria provided, multiple submitters, no conflicts (2 of 4 stars). 2 submissions from 2 submitters: Uncertain significance (2). Last evaluated 2025-01-15.

Conditions:
Baller-Gerold syndrome (BGS). Also called: CRANIOSYNOSTOSIS WITH RADIAL DEFECTS. Identifiers: Orphanet 1225, MedGen C0265308, MONDO:0009039, OMIM 218600.
Inborn genetic diseases. Identifiers: MedGen C0950123, MeSH D030342.

Submissions (2):

Ambry Genetics
Classification: Uncertain significance for Inborn genetic diseases. Last evaluated: 2025-01-15. Review status: criteria provided, single submitter. Criteria: Ambry Variant Classification Scheme 2023. Collection method: clinical testing. Allele origin: germline.
Comment: The p.W379R variant (also known as c.1135T>C), located in coding exon 6 of the RECQL4 gene, results from a T to C substitution at nucleotide position 1135. The tryptophan at codon 379 is replaced by arginine, an amino acid with dissimilar properties. This amino acid position is conserved. In addition, this alteration is predicted to be tolerated by in silico analysis. Based on the available evidence, the clinical significance of this variant remains unclear.

Labcorp Genetics (formerly Invitae), Labcorp
Classification: Uncertain significance for Baller-Gerold syndrome. Last evaluated: 2022-07-29. Review status: criteria provided, single submitter. Criteria: Invitae Variant Classification Sherloc (09022015). Collection method: clinical testing. Allele origin: germline.
Comment: This sequence change replaces tryptophan, which is neutral and slightly polar, with arginine, which is basic and polar, at codon 379 of the RECQL4 protein (p.Trp379Arg). The frequency data for this variant in the population databases is considered unreliable, as metrics indicate poor data quality at this position in the gnomAD database. This variant has not been reported in the literature in individuals affected with RECQL4-related conditions. Experimental studies and prediction algorithms are not available or were not evaluated, and the functional significance of this variant is currently unknown. In summary, the available evidence is currently insufficient to determine the role of this variant in disease. Therefore, it has been classified as a Variant of Uncertain Significance.